The following is an entry in ClinVar:

ClinVar aggregate classification (germline): Likely benign (0 of 4 stars; one submission).

Conditions:
CENPE-related disorder. Also called: CENPE-related condition.

gnomAD v4.1: 6 of 1,612,634 alleles (0.00037%); highest among the groups gnomAD compares: Middle Eastern, 0.067%; no homozygotes.

Submission:

PreventionGenetics, part of Exact Sciences
Classification: Likely benign for CENPE-related condition. Last evaluated: 2019-03-29. Review status: no assertion criteria provided. Collection method: clinical testing. Allele origin: germline.
Comment: This variant is classified as likely benign based on ACMG/AMP sequence variant interpretation guidelines (Richards et al. 2015 PMID: 25741868, with internal and published modifications).

NM_001813.3(CENPE):c.669A>G (p.Glu223=)

Gene: CENPE (centromere protein E; minus strand). Cytogenetic location: 4q24.
Variant type: single nucleotide variant.
Coding change: c.669A>G on transcript NM_001813.3 (MANE Select); coding-DNA position 669, A replaced by G.
Protein change: p.Glu223=; no amino-acid change (glutamic acid 223 retained).
Molecular consequence: synonymous variant.
Genome position (GRCh38, 1-based): chr4:103,194,253, T>C on the plus strand (A>G on the coding strand, the complement: CENPE is on the minus strand). VCF-style: chr4-103194253-T-C. GRCh37 (hg19) VCF-style: chr4-104115410-T-C.
Other names: c.669A>G, p.Glu223= (NM_001286734.2).
Identifiers: ClinVar variation 3352773 (VCV003352773.1).